The following is an entry in ClinVar:

ClinVar aggregate classification (germline): Uncertain significance (1 of 4 stars; one submission).

Submission:

GeneDx
Classification: Uncertain significance. Last evaluated: 2021-01-08. Review status: criteria provided, single submitter. Criteria: GeneDx Variant Classification Process June 2021. Collection method: clinical testing. Allele origin: germline. Affected: yes.
Comment: Not observed in large population cohorts (Lek et al., 2016); In silico analysis supports that this missense variant does not alter protein structure/function; Has not been previously published as pathogenic or benign to our knowledge

NM_000814.6(GABRB3):c.901C>G (p.Pro301Ala)

Gene: GABRB3 (gamma-aminobutyric acid type A receptor subunit beta3; minus strand). Cytogenetic location: 15q12.
Variant type: single nucleotide variant.
Coding change: c.901C>G on transcript NM_000814.6 (MANE Select); coding-DNA position 901, C replaced by G.
Protein change: p.Pro301Ala; replaces proline 301 with alanine.
Molecular consequence: missense variant.
Genome position (GRCh38, 1-based): chr15:26,561,111, G>C on the plus strand (C>G on the coding strand, the complement: GABRB3 is on the minus strand). VCF-style: chr15-26561111-G-C. GRCh37 (hg19) VCF-style: chr15-26806258-G-C.
Other names: c.646C>G, p.Pro216Ala (NM_001191320.2, NM_001278631.2); c.688C>G, p.Pro230Ala (NM_001191321.3); c.901C>G, p.Pro301Ala (NM_021912.5); short protein forms P216A, P230A, P301A.
Identifiers: ClinVar variation 1320380 (VCV001320380.2), dbSNP rs1889966666, ClinGen allele CA391462165.
Genomic context (GRCh38, chr15:26,561,111, plus strand): 5'-GGGCCAGGAACACAAAGACGAAGCAGCCCATAAGGTACATGTCAATGGCTTTGACATAGG[G>C]GATTTTGGGCAAGGTCTCCCGAAGGTGGGTGTTGATGGTTGTCATTGTCAGCACAGTTGT-3'
Protein context (NP_000805.1, residues 291-311): THLRETLPKI[Pro301Ala]YVKAIDMYLM